The following is an entry in ClinVar:

NM_001382567.1(STIM1):c.1012C>T (p.His338Tyr)

Gene: STIM1 (stromal interaction molecule 1; plus strand). Cytogenetic location: 11p15.4.
Variant type: single nucleotide variant.
Coding change: c.1012C>T on transcript NM_001382567.1 (MANE Select); coding-DNA position 1012, C replaced by T.
Protein change: p.His338Tyr; replaces histidine 338 with tyrosine.
Molecular consequence: missense variant. On other transcripts: non-coding transcript variant (2).
Genome position (GRCh38, 1-based): chr11:4,082,226, C>T. VCF-style: chr11-4082226-C-T. GRCh37 (hg19) VCF-style: chr11-4103456-C-T.
Other names: c.1012C>T, p.His338Tyr (NM_001277961.3, NM_001277962.2, NM_001382568.1 and 1 more transcripts); c.790C>T, p.His264Tyr (NM_001382566.1, NM_001382573.1, NM_001382575.1 and 4 more transcripts); c.877C>T, p.His293Tyr (NM_001382569.1); c.784C>T, p.His262Tyr (NM_001382570.1); c.532C>T, p.His178Tyr (NM_001382571.1); c.523C>T, p.His175Tyr (NM_001382580.1, NM_001382581.1); short protein forms H175Y, H178Y, H262Y, H264Y, H293Y, H338Y.
Identifiers: ClinVar variation 4072608 (VCV004072608.1).

ClinVar aggregate classification (germline): Uncertain significance (1 of 4 stars; one submission).

Submission:

GeneDx
Classification: Uncertain significance. Last evaluated: 2025-01-29. Review status: criteria provided, single submitter. Criteria: GeneDx Variant Classification Process June 2021. Collection method: clinical testing. Allele origin: germline. Affected: yes.
Comment: Not observed at significant frequency in large population cohorts (gnomAD); In silico analysis indicates that this missense variant does not alter protein structure/function; Has not been previously published as pathogenic or benign to our knowledge